The following is an entry in ClinVar:

NM_000136.3(FANCC):c.1329+1G>C

Genes: AOPEP (aminopeptidase O (putative); plus strand), FANCC (FA complementation group C; minus strand). Cytogenetic location: 9q22.32.
Variant type: single nucleotide variant.
Coding change: c.1329+1G>C on transcript NM_000136.3 (MANE Select); the canonical splice donor site of the intron after coding-DNA position 1329, G replaced by C.
Molecular consequence: splice donor variant.
Genome position (GRCh38, 1-based): chr9:95,111,462, C>G on the plus strand (G>C on the coding strand, the complement: FANCC is on the minus strand). VCF-style: chr9-95111462-C-G. GRCh37 (hg19) VCF-style: chr9-97873744-C-G.
Other names: c.1329+1G>C (NM_001243743.2, NM_001243744.2).
Identifiers: ClinVar variation 4817545 (VCV004817545.1).
Genomic context (GRCh38, chr9:95,111,462, plus strand): 5'-CAAGCTCCTCTCAGCCCCCCAGAGCCCACCCCAAACACATGCAGTGGGGCCTGCTACCCA[C>G]CATAGTCTGTGCTCTCTGCTGCCTCCCATCACGGGGGCCGTAGTAGAAGGCCAAGAGCCA-3'

ClinVar aggregate classification (germline): Likely pathogenic (1 of 4 stars; one submission).

Conditions:
Fanconi anemia (FA). Also called: Fanconi's anemia. Identifiers: Orphanet 84, MedGen C0015625, MeSH D005199, MONDO:0019391.

Submission:

Natera, Inc.
Classification: Likely pathogenic for Fanconi anemia. Last evaluated: 2025-12-17. Review status: criteria provided, single submitter. Criteria: Natera Variant Classification Schema (03/2026). Collection method: clinical testing. Allele origin: germline.
Comment: The c.1329+1G>C variant in FANCC is a canonical splice donor site variant predicted to affect pre-mRNA splicing, which may result in an abnormal transcript and altered protein product. This variant is expected to result in nonsense mediated decay, truncation, or a dysfunctional protein product. This variant is rare in the general population with a frequency below the threshold expected for the associated phenotype(s). Given the available evidence, this variant is classified as Likely Pathogenic.